The following is an entry in ClinVar:

NM_206933.4(USH2A):c.736A>G (p.Ile246Val)

Gene: USH2A (usherin; minus strand). Cytogenetic location: 1q41.
Variant type: single nucleotide variant.
Coding change: c.736A>G on transcript NM_206933.4 (MANE Select); coding-DNA position 736, A replaced by G.
Protein change: p.Ile246Val; replaces isoleucine 246 with valine.
Molecular consequence: missense variant.
Genome position (GRCh38, 1-based): chr1:216,365,001, T>C on the plus strand (A>G on the coding strand, the complement: USH2A is on the minus strand). VCF-style: chr1-216365001-T-C. GRCh37 (hg19) VCF-style: chr1-216538343-T-C.
Other names: c.736A>G, p.Ile246Val (NM_007123.6); short protein forms I246V.
Identifiers: ClinVar variation 451003 (VCV000451003.10), dbSNP rs746975879, ClinGen allele CA344907948.
Genomic context (GRCh38, chr1:216,365,001, plus strand): 5'-TCAGAAACTTACCATTTAAACTCTGTCCTATTTGCACAGTACCAGATGCAAAATCTGTAA[T>C]TGAACCACTTAGAGTTCTTGCATTGAAAGGTGTATGATCCTTCTCCACGCCATTGATAAA-3'
Protein context (NP_996816.3, residues 236-256): PFNARTLSGS[Ile246Val]TDFASGTVQI

ClinVar aggregate classification (germline): Uncertain significance. Review status: criteria provided, multiple submitters, no conflicts (2 of 4 stars). 7 submissions from 6 submitters: Uncertain significance (6). 1 of the submissions does not count toward it. Last evaluated 2026-09-21.

Conditions:
Inborn genetic diseases. Identifiers: MedGen C0950123, MeSH D030342.
Retinitis pigmentosa 39 (RP39). Identifiers: Orphanet 791, MedGen C3151138, MONDO:0013436, OMIM 613809.
Usher syndrome type 2A. Also called: RETINAL DISEASE IN USHER SYNDROME TYPE IIA, MODIFIER OF; USHER SYNDROME, TYPE IIA. Identifiers: Orphanet 231178, Orphanet 886, MedGen C1848634, MONDO:0010169, OMIM 276901.

Allele frequency attached by ClinVar (database versions not stated): TOPMed 0.00001.
gnomAD v4.1: 5 of 1,613,670 alleles (0.00031%); highest among the groups gnomAD compares: Middle Eastern, 0.016%; no homozygotes.

Submissions (7):

GeneDx
Classification: Uncertain significance. Last evaluated: 2026-09-21. Review status: criteria provided, single submitter. Criteria: GeneDx Variant Classification Process June 2021. Collection method: clinical testing. Allele origin: germline.
Comment: Not observed at significant frequency in large population cohorts (gnomAD); In silico analysis suggests that this missense variant does not alter protein structure/function; This variant is associated with the following publications: (PMID: 33753533)

Ambry Genetics
Classification: Uncertain significance for Inborn genetic diseases. Last evaluated: 2025-05-14. Review status: criteria provided, single submitter. Criteria: Ambry Variant Classification Scheme 2023. Collection method: clinical testing. Allele origin: germline.

Genome-Nilou Lab
Classification: Uncertain significance for Retinitis pigmentosa 39. Last evaluated: 2023-11-04. Review status: criteria provided, single submitter. Criteria: ACMG Guidelines, 2015. Collection method: clinical testing. Allele origin: germline. Affected: no.

Genome-Nilou Lab
Classification: Uncertain significance for Usher syndrome type 2A. Last evaluated: 2023-11-04. Review status: criteria provided, single submitter. Criteria: ACMG Guidelines, 2015. Collection method: clinical testing. Allele origin: germline. Affected: no.

Labcorp Genetics (formerly Invitae), Labcorp
Classification: Uncertain significance. Last evaluated: 2022-05-03. Review status: criteria provided, single submitter. Criteria: Invitae Variant Classification Sherloc (09022015). Collection method: clinical testing. Allele origin: germline.
Comment: This sequence change replaces isoleucine, which is neutral and non-polar, with valine, which is neutral and non-polar, at codon 246 of the USH2A protein (p.Ile246Val). This variant is present in population databases (no rsID available, gnomAD 0.006%). This variant has not been reported in the literature in individuals affected with USH2A-related conditions. ClinVar contains an entry for this variant (Variation ID: 451003). Algorithms developed to predict the effect of missense changes on protein structure and function output the following: SIFT: "Tolerated"; PolyPhen-2: "Benign"; Align-GVGD: "Class C0". The valine amino acid residue is found in multiple mammalian species, which suggests that this missense change does not adversely affect protein function. In summary, the available evidence is currently insufficient to determine the role of this variant in disease. Therefore, it has been classified as a Variant of Uncertain Significance.

Blueprint Genetics
Classification: Uncertain significance. Last evaluated: 2018-10-02. Review status: criteria provided, single submitter. Criteria: ACMG Guidelines, 2015. Collection method: clinical testing. Allele origin: germline.

Natera, Inc.
Classification: Uncertain significance for Usher syndrome type 2A. Last evaluated: 2020-02-21. Review status: no assertion criteria provided. Collection method: clinical testing. Allele origin: germline. Not counted in ClinVar's aggregate classification.